The following is an entry in ClinVar:

NM_001349253.2(SCN11A):c.2705C>A (p.Ser902Tyr)

Gene: SCN11A (sodium voltage-gated channel alpha subunit 11; minus strand). Cytogenetic location: 3p22.2.
Variant type: single nucleotide variant.
Coding change: c.2705C>A on transcript NM_001349253.2 (MANE Select); coding-DNA position 2705, C replaced by A.
Protein change: p.Ser902Tyr; replaces serine 902 with tyrosine.
Molecular consequence: missense variant.
Genome position (GRCh38, 1-based): chr3:38,894,663, G>T on the plus strand (C>A on the coding strand, the complement: SCN11A is on the minus strand). VCF-style: chr3-38894663-G-T. GRCh37 (hg19) VCF-style: chr3-38936154-G-T.
Other names: c.2705C>A, p.Ser902Tyr (NM_014139.3); short protein forms S902Y.
Identifiers: ClinVar variation 959897 (VCV000959897.9), dbSNP rs778817718, ClinGen allele CA2321987.

ClinVar aggregate classification (germline): Conflicting classifications of pathogenicity. Review status: criteria provided, conflicting classifications (1 of 4 stars). 3 submissions from 3 submitters: Uncertain significance (2); Likely benign (1). Last evaluated 2024-11-27.

Conditions:
Familial episodic pain syndrome with predominantly lower limb involvement. Also called: Episodic pain syndrome, familial, 3. Identifiers: Orphanet 391384, Orphanet 391392, MedGen C3809899, MONDO:0014247, OMIM 615552.
Hereditary sensory and autonomic neuropathy type 7. Also called: HSAN VII; Neuropathy, hereditary sensory and autonomic, type VII. Identifiers: Orphanet 391397, MedGen C3809882, MONDO:0014244, OMIM 615548.
Inborn genetic diseases. Identifiers: MedGen C0950123, MeSH D030342.

Allele frequency attached by ClinVar (database versions not stated): ExAC 0.00002.
gnomAD v4.1: 10 of 1,614,116 alleles (0.00062%); highest among the groups gnomAD compares: Non-Finnish European, 0.00085%; no homozygotes.

Submissions (3):

Labcorp Genetics (formerly Invitae), Labcorp
Classification: Uncertain significance for Familial episodic pain syndrome with predominantly lower limb involvement; Hereditary sensory and autonomic neuropathy type 7. Last evaluated: 2024-11-27. Review status: criteria provided, single submitter. Criteria: Invitae Variant Classification Sherloc (09022015). Collection method: clinical testing. Allele origin: germline.
Comment: This sequence change replaces serine, which is neutral and polar, with tyrosine, which is neutral and polar, at codon 902 of the SCN11A protein (p.Ser902Tyr). This variant is present in population databases (rs778817718, gnomAD 0.004%). This variant has not been reported in the literature in individuals affected with SCN11A-related conditions. ClinVar contains an entry for this variant (Variation ID: 959897). Invitae Evidence Modeling of protein sequence and biophysical properties (such as structural, functional, and spatial information, amino acid conservation, physicochemical variation, residue mobility, and thermodynamic stability) indicates that this missense variant is not expected to disrupt SCN11A protein function with a negative predictive value of 80%. In summary, the available evidence is currently insufficient to determine the role of this variant in disease. Therefore, it has been classified as a Variant of Uncertain Significance.

Women's Health and Genetics/Laboratory Corporation of America, LabCorp
Classification: Uncertain significance. Last evaluated: 2024-07-18. Review status: criteria provided, single submitter. Criteria: LabCorp Variant Classification Summary - May 2015. Collection method: clinical testing. Allele origin: germline.
Comment: Variant summary: SCN11A c.2705C>A (p.Ser902Tyr) results in a non-conservative amino acid change in the encoded protein sequence. Four of five in-silico tools predict a benign effect of the variant on protein function. The variant allele was found at a frequency of 1.6e-05 in 251418 control chromosomes. The available data on variant occurrences in the general population are insufficient to allow any conclusion about variant significance. To our knowledge, no occurrence of c.2705C>A in individuals affected with Hereditary Sensory And Autonomic Neuropathy Type 7 and no experimental evidence demonstrating its impact on protein function have been reported. ClinVar contains an entry for this variant (Variation ID: 959897). Based on the evidence outlined above, the variant was classified as uncertain significance.

Ambry Genetics
Classification: Likely benign for Inborn genetic diseases. Last evaluated: 2024-02-29. Review status: criteria provided, single submitter. Criteria: Ambry Variant Classification Scheme 2023. Collection method: clinical testing. Allele origin: germline.